The following is an entry in ClinVar:

NM_001367790.1(TCEAL6):c.12C>G (p.Pro4=)

Gene: TCEAL6 (transcription elongation factor A like 6; minus strand). Cytogenetic location: Xq22.1.
Variant type: single nucleotide variant.
Coding change: c.12C>G on transcript NM_001367790.1 (MANE Select); coding-DNA position 12, C replaced by G.
Protein change: p.Pro4=; no amino-acid change (proline 4 retained).
Molecular consequence: synonymous variant.
Genome position (GRCh38, 1-based): chrX:102,141,320, G>C on the plus strand (C>G on the coding strand, the complement: TCEAL6 is on the minus strand). VCF-style: chrX-102141320-G-C. GRCh37 (hg19) VCF-style: chrX-101396292-G-C.
Other names: c.12C>G, p.Pro4= (NM_001006938.3).
Identifiers: ClinVar variation 2661077 (VCV002661077.24), dbSNP rs370282036, ClinGen allele CA10475322.

ClinVar aggregate classification (germline): Likely benign (1 of 4 stars; one submission).

Allele frequency attached by ClinVar (database versions not stated): ESP Exome Variant Server 0.00019; ExAC 0.00034; gnomAD 0.00041; TOPMed 0.00043; gnomAD exomes 0.00050.

Submission:

CeGaT Center for Human Genetics Tuebingen
Classification: Likely benign. Last evaluated: 2022-07-01. Review status: criteria provided, single submitter. Criteria: CeGaT Center For Human Genetics Tuebingen Variant Classification Criteria Version 2. Collection method: clinical testing. Allele origin: germline. Affected: yes. Observed: 1 variant allele.
Comment: TCEAL6: BP4, BP7